The following is an entry in ClinVar:

NM_005548.3(KARS1):c.385G>A (p.Ala129Thr)

Gene: KARS1 (lysyl-tRNA synthetase 1; minus strand). Cytogenetic location: 16q23.1.
Variant type: single nucleotide variant.
Coding change: c.385G>A on transcript NM_005548.3 (MANE Select); coding-DNA position 385, G replaced by A.
Protein change: p.Ala129Thr; replaces alanine 129 with threonine.
Molecular consequence: missense variant. On other transcripts: 5 prime UTR variant (1).
Genome position (GRCh38, 1-based): chr16:75,640,187, C>T on the plus strand (G>A on the coding strand, the complement: KARS1 is on the minus strand). VCF-style: chr16-75640187-C-T. GRCh37 (hg19) VCF-style: chr16-75674085-C-T.
Other names: c.469G>A, p.Ala157Thr (NM_001130089.2); c.-84G>A (NM_001378148.1); short protein forms A129T, A157T.
Identifiers: ClinVar variation 1682444 (VCV001682444.8), dbSNP rs751863120, ClinGen allele CA8177656.

ClinVar aggregate classification (germline): Uncertain significance (1 of 4 stars; one submission).

Allele frequency attached by ClinVar (database versions not stated): TOPMed below 0.00001; ExAC 0.00001; gnomAD 0.00001.

Submission:

Labcorp Genetics (formerly Invitae), Labcorp
Classification: Uncertain significance. Last evaluated: 2022-07-06. Review status: criteria provided, single submitter. Criteria: Invitae Variant Classification Sherloc (09022015). Collection method: clinical testing. Allele origin: germline.
Comment: In summary, the available evidence is currently insufficient to determine the role of this variant in disease. Therefore, it has been classified as a Variant of Uncertain Significance. Algorithms developed to predict the effect of sequence changes on RNA splicing suggest that this variant may create or strengthen a splice site. Algorithms developed to predict the effect of missense changes on protein structure and function are either unavailable or do not agree on the potential impact of this missense change (SIFT: "Deleterious"; PolyPhen-2: "Possibly Damaging"; Align-GVGD: "Class C0"). ClinVar contains an entry for this variant (Variation ID: 1682444). This variant has not been reported in the literature in individuals affected with KARS-related conditions. This variant is present in population databases (rs751863120, gnomAD 0.0009%). This sequence change replaces alanine, which is neutral and non-polar, with threonine, which is neutral and polar, at codon 157 of the KARS protein (p.Ala157Thr).